The following is an entry in ClinVar:

ClinVar aggregate classification (germline): Conflicting classifications of pathogenicity. Review status: criteria provided, conflicting classifications (1 of 4 stars). 2 submissions from 2 submitters: Likely pathogenic (1); Uncertain significance (1). Last evaluated 2025-10-12.

Allele frequency attached by ClinVar (database versions not stated): gnomAD exomes below 0.00001.
gnomAD v4.1: 1 of 1,612,948 alleles (0.000062%); highest among the groups gnomAD compares: East Asian, 0.0022%; no homozygotes.

Submissions (2):

Mayo Clinic Laboratories, Mayo Clinic
Classification: Likely pathogenic. Last evaluated: 2025-10-12. Review status: criteria provided, single submitter. Criteria: ACMG Guidelines, 2015. Collection method: clinical testing. Allele origin: germline. Observed: 1 variant allele.
Comment: PM2_supporting, PVS1

Labcorp Genetics (formerly Invitae), Labcorp
Classification: Uncertain significance. Last evaluated: 2023-03-30. Review status: criteria provided, single submitter. Criteria: Invitae Variant Classification Sherloc (09022015). Collection method: clinical testing. Allele origin: germline.
Comment: This sequence change creates a premature translational stop signal (p.Gln181*) in the MYLK3 gene. It is expected to result in an absent or disrupted protein product. However, the current clinical and genetic evidence is not sufficient to establish whether loss-of-function variants in MYLK3 cause disease. In summary, the available evidence is currently insufficient to determine the role of this variant in disease. Therefore, it has been classified as a Variant of Uncertain Significance. ClinVar contains an entry for this variant (Variation ID: 2057973). This variant has not been reported in the literature in individuals affected with MYLK3-related conditions. This variant is not present in population databases (gnomAD no frequency).

NM_182493.3(MYLK3):c.541C>T (p.Gln181Ter)

Gene: MYLK3 (myosin light chain kinase 3; minus strand). Cytogenetic location: 16q11.2.
Variant type: single nucleotide variant.
Coding change: c.541C>T on transcript NM_182493.3 (MANE Select); coding-DNA position 541, C replaced by T.
Protein change: p.Gln181Ter; replaces glutamine 181 with a stop codon.
Molecular consequence: nonsense. On other transcripts: 5 prime UTR variant (1).
Genome position (GRCh38, 1-based): chr16:46,740,084, G>A on the plus strand (C>T on the coding strand, the complement: MYLK3 is on the minus strand). VCF-style: chr16-46740084-G-A. GRCh37 (hg19) VCF-style: chr16-46773996-G-A.
Other names: p.Gln181*; c.-50C>T (NM_001308301.1); short protein forms Q181*.
Identifiers: ClinVar variation 2057973 (VCV002057973.5), dbSNP rs1966904003, ClinGen allele CA395795900.